The following is an entry in ClinVar:

NM_000166.6(GJB1):c.841T>C (p.Ser281Pro)

Gene: GJB1 (gap junction protein beta 1; plus strand). Cytogenetic location: Xq13.1.
Variant type: single nucleotide variant.
Coding change: c.841T>C on transcript NM_000166.6 (MANE Select); coding-DNA position 841, T replaced by C.
Protein change: p.Ser281Pro; replaces serine 281 with proline.
Molecular consequence: missense variant.
Genome position (GRCh38, 1-based): chrX:71,224,548, T>C. VCF-style: chrX-71224548-T-C. GRCh37 (hg19) VCF-style: chrX-70444398-T-C.
Other names: c.841T>C, p.Ser281Pro (NM_001097642.3); short protein forms S281P.
Identifiers: ClinVar variation 856741 (VCV000856741.9), dbSNP rs2092547003, ClinGen allele CA413504470.

ClinVar aggregate classification (germline): Uncertain significance (1 of 4 stars; one submission).

Conditions:
Charcot-Marie-Tooth Neuropathy X. Identifiers: MedGen CN118851.

Submission:

Labcorp Genetics (formerly Invitae), Labcorp
Classification: Uncertain significance for Charcot-Marie-Tooth Neuropathy X. Last evaluated: 2024-02-20. Review status: criteria provided, single submitter. Criteria: Invitae Variant Classification Sherloc (09022015). Collection method: clinical testing. Allele origin: germline.
Comment: This sequence change replaces serine, which is neutral and polar, with proline, which is neutral and non-polar, at codon 281 of the GJB1 protein (p.Ser281Pro). This variant is not present in population databases (gnomAD no frequency). This missense change has been observed in individual(s) with clinical features of Charcot-Marie-Tooth disease (Invitae). It has also been observed to segregate with disease in related individuals. ClinVar contains an entry for this variant (Variation ID: 856741). An algorithm developed to predict the effect of missense changes on protein structure and function (PolyPhen-2) suggests that this variant is likely to be disruptive. In summary, the available evidence is currently insufficient to determine the role of this variant in disease. Therefore, it has been classified as a Variant of Uncertain Significance.